The following is an entry in ClinVar:

ClinVar aggregate classification (germline): Uncertain significance. Review status: criteria provided, multiple submitters, no conflicts (2 of 4 stars). 6 submissions from 6 submitters: Uncertain significance (6). Last evaluated 2025-12-29.

Conditions:
Hereditary cancer-predisposing syndrome. Also called: Neoplastic Syndromes, Hereditary; Hereditary Cancer Syndrome; Tumor predisposition; Hereditary neoplastic syndrome. Identifiers: Orphanet 140162, MedGen C0027672, MeSH D009386, MONDO:0015356.
Intellectual disability, autosomal dominant 16 (CSS4). Also called: COFFIN-SIRIS SYNDROME 4. Identifiers: Orphanet 1465, MedGen C3553249, MONDO:0013821, OMIM 614609.
Rhabdoid tumor predisposition syndrome 2 (RTPS2). Identifiers: Orphanet 231108, Orphanet 69077, MedGen C2750074, MONDO:0013224, OMIM 613325.
Otosclerosis 12. Identifiers: MedGen C5935610, MONDO:0968980, OMIM 620792.

Allele frequency attached by ClinVar (database versions not stated): gnomAD exomes below 0.00001; gnomAD 0.00001; TOPMed 0.00001.
gnomAD v4.1: 5 of 1,564,432 alleles (0.00032%); highest among the groups gnomAD compares: Admixed American, 0.0038%; no homozygotes.

Submissions (6):

Labcorp Genetics (formerly Invitae), Labcorp
Classification: Uncertain significance for Rhabdoid tumor predisposition syndrome 2. Last evaluated: 2025-12-29. Review status: criteria provided, single submitter. Criteria: Invitae Variant Classification Sherloc (09022015). Collection method: clinical testing. Allele origin: germline.
Comment: This sequence change replaces arginine, which is basic and polar, with glutamine, which is neutral and polar, at codon 1623 of the SMARCA4 protein (p.Arg1623Gln). This variant is not present in population databases (gnomAD no frequency). This variant has not been reported in the literature in individuals affected with SMARCA4-related conditions. ClinVar contains an entry for this variant (Variation ID: 582644). Invitae Evidence Modeling of protein sequence and biophysical properties (such as structural, functional, and spatial information, amino acid conservation, physicochemical variation, residue mobility, and thermodynamic stability) indicates that this missense variant is not expected to disrupt SMARCA4 protein function with a negative predictive value of 95%. In summary, the available evidence is currently insufficient to determine the role of this variant in disease. Therefore, it has been classified as a Variant of Uncertain Significance.

Ambry Genetics
Classification: Uncertain significance for Hereditary cancer-predisposing syndrome. Last evaluated: 2025-10-07. Review status: criteria provided, single submitter. Criteria: Ambry Variant Classification Scheme 2023. Collection method: clinical testing. Allele origin: germline.

GeneDx
Classification: Uncertain significance. Last evaluated: 2024-03-27. Review status: criteria provided, single submitter. Criteria: GeneDx Variant Classification Process June 2021. Collection method: clinical testing. Allele origin: germline. Affected: yes.
Comment: Not observed at significant frequency in large population cohorts (gnomAD); In silico analysis suggests this variant may impact gene splicing. In the absence of RNA/functional studies, the actual effect of this sequence change is unknown.; In silico analysis supports that this missense variant does not alter protein structure/function; Has not been previously published as pathogenic or benign to our knowledge

Fulgent Genetics
Classification: Uncertain significance for Rhabdoid tumor predisposition syndrome 2; Intellectual disability, autosomal dominant 16; Otosclerosis 12. Last evaluated: 2024-03-14. Review status: criteria provided, single submitter. Criteria: ACMG Guidelines, 2015. Collection method: clinical testing. Allele origin: germline.

Quest Diagnostics Nichols Institute San Juan Capistrano
Classification: Uncertain significance. Last evaluated: 2022-09-06. Review status: criteria provided, single submitter. Criteria: Quest Diagnostics criteria. Collection method: clinical testing. Allele origin: unknown.
Comment: The variant has not been reported in the published literature. It also has not been reported in large, multi-ethnic general populations. Analysis of this variant using bioinformatics tools for the prediction of the effect of amino acid changes on protein structure and function yielded conflicting predictions that this variant is benign or damaging. Based on the available information, we are unable to determine the clinical significance of this variant.

Genome-Nilou Lab
Classification: Uncertain significance for Intellectual disability, autosomal dominant 16. Last evaluated: 2021-07-15. Review status: criteria provided, single submitter. Criteria: ACMG Guidelines, 2015. Collection method: clinical testing. Allele origin: germline. Affected: no.

NM_003072.5(SMARCA4):c.4772G>A (p.Arg1591Gln)

Gene: SMARCA4 (SWI/SNF related BAF chromatin remodeling complex subunit ATPase 4; plus strand). Cytogenetic location: 19p13.2.
Variant type: single nucleotide variant.
Coding change: c.4772G>A on transcript NM_003072.5 (MANE Select); coding-DNA position 4772, G replaced by A.
Protein change: p.Arg1591Gln; replaces arginine 1591 with glutamine.
Molecular consequence: missense variant. On other transcripts: non-coding transcript variant (1).
Genome position (GRCh38, 1-based): chr19:11,060,048, G>A. VCF-style: chr19-11060048-G-A. GRCh37 (hg19) VCF-style: chr19-11170724-G-A.
Other names: c.4868G>A (NM_001128849.2); c.4772G>A, p.Arg1591Gln (NM_001128844.3); c.4682G>A, p.Arg1561Gln (NM_001128845.2); c.4679G>A, p.Arg1560Gln (NM_001128846.2); c.4673G>A, p.Arg1558Gln (NM_001128847.4, NM_001374457.1); c.4670G>A, p.Arg1557Gln (NM_001128848.2); c.4868G>A, p.Arg1623Gln (NM_001128849.3, NM_001387283.1); short protein forms R1623Q, R1558Q, R1561Q, R1591Q, R1557Q, R1560Q.
Identifiers: ClinVar variation 582644 (VCV000582644.19), dbSNP rs1356932636, ClinGen allele CA404080203.